The following is an entry in ClinVar:

ClinVar aggregate classification (germline): Benign/Likely benign. Review status: criteria provided, multiple submitters, no conflicts (2 of 4 stars). 6 submissions from 6 submitters: Benign (1); Likely benign (5). Last evaluated 2025-11-22.

Conditions:
Von Hippel-Lindau syndrome (VHLS). Also called: von Hippel–Lindau syndrome; VHL syndrome; Von Hippel-Lindau. Identifiers: Orphanet 892, MedGen C0019562, MONDO:0008667, OMIM 193300. Disease mechanism: loss of function.
Chuvash polycythemia. Also called: POLYCYTHEMIA, VHL-DEPENDENT. Identifiers: Orphanet 238557, MedGen C1837915, MONDO:0009892, OMIM 263400.
Hereditary cancer-predisposing syndrome. Also called: Neoplastic Syndromes, Hereditary; Tumor predisposition; Hereditary Cancer Syndrome; Hereditary neoplastic syndrome. Identifiers: Orphanet 140162, MedGen C0027672, MeSH D009386, MONDO:0015356.
VHL-related disorder. Also called: VHL-related condition.

Allele frequency attached by ClinVar (database versions not stated): gnomAD exomes below 0.00001.
gnomAD v4.1: 3 of 1,597,090 alleles (0.00019%); highest among the groups gnomAD compares: African/African-American, 0.004%; no homozygotes.

Submissions (6):

Labcorp Genetics (formerly Invitae), Labcorp
Classification: Likely benign for Von Hippel-Lindau syndrome; Chuvash polycythemia. Last evaluated: 2025-11-22. Review status: criteria provided, single submitter. Criteria: Invitae Variant Classification Sherloc (09022015). Collection method: clinical testing. Allele origin: germline.

Myriad Genetics, Inc.
Classification: Benign for Von Hippel-Lindau syndrome. Last evaluated: 2025-06-10. Review status: criteria provided, single submitter. Criteria: Myriad Autosomal Dominant, Autosomal Recessive and X-Linked Classification Criteria (2023). Collection method: clinical testing. Allele origin: unknown.
Comment: This variant is considered benign. This variant is a silent/synonymous amino acid change and it is not expected to impact splicing.

PreventionGenetics, part of Exact Sciences
Classification: Likely benign for VHL-related condition. Last evaluated: 2024-12-04. Review status: criteria provided, single submitter. Criteria: ACMG Guidelines, 2015. Collection method: clinical testing. Allele origin: germline.
Comment: This variant is classified as likely benign based on ACMG/AMP sequence variant interpretation guidelines (Richards et al. 2015 PMID: 25741868, with internal and published modifications).

All of Us Research Program, National Institutes of Health
Classification: Likely benign for Von Hippel-Lindau syndrome. Last evaluated: 2023-06-26. Review status: criteria provided, single submitter. Criteria: ACMG Guidelines, 2015. Collection method: clinical testing. Allele origin: germline. Inheritance: Autosomal dominant inheritance. Observed: 1 variant allele, 1 heterozygote.
Comment: This study involves interpretation of variants in research participants for the purpose of population health screening. Participant phenotype was not available at the time of variant classification. Additional details can be found in publication PMID: 35346344, PMCID: PMC8962531

Color Diagnostics, LLC DBA Color Health
Classification: Likely benign for Von Hippel-Lindau syndrome. Last evaluated: 2022-11-06. Review status: criteria provided, single submitter. Criteria: ACMG Guidelines, 2015. Collection method: clinical testing. Allele origin: germline.

Ambry Genetics
Classification: Likely benign for Hereditary cancer-predisposing syndrome. Last evaluated: 2022-09-26. Review status: criteria provided, single submitter. Criteria: Ambry Variant Classification Scheme 2023. Collection method: clinical testing. Allele origin: germline.

NM_000551.4(VHL):c.180G>A (p.Arg60=)

Gene: VHL (von Hippel-Lindau tumor suppressor; plus strand). Cytogenetic location: 3p25.3.
Variant type: single nucleotide variant.
Coding change: c.180G>A on transcript NM_000551.4 (MANE Select); coding-DNA position 180, G replaced by A.
Protein change: p.Arg60=; no amino-acid change (arginine 60 retained).
Molecular consequence: synonymous variant.
Genome position (GRCh38, 1-based): chr3:10,142,027, G>A. VCF-style: chr3-10142027-G-A. GRCh37 (hg19) VCF-style: chr3-10183711-G-A.
Other names: c.180G>A, p.Arg60= (NM_001354723.2, NM_198156.3).
Identifiers: ClinVar variation 703601 (VCV000703601.16), dbSNP rs1224891387, ClinGen allele CA432536379.